The following is an entry in ClinVar:

ClinVar aggregate classification (germline): Likely benign. Review status: criteria provided, multiple submitters, no conflicts (2 of 4 stars). 3 submissions from 3 submitters: Likely benign (2). 1 of the submissions does not count toward it. Last evaluated 2025-09-15.

Conditions:
TCOF1-related disorder. Also called: TCOF1-related condition.
Treacher Collins syndrome 1 (TCS1). Also called: TCOF1-Related Treacher Collins Syndrome. Identifiers: Orphanet 861, MedGen CN315775, MONDO:0007944, OMIM 154500.

Allele frequency attached by ClinVar (database versions not stated): 1000 Genomes Project 30x 0.00031; 1000 Genomes Project 0.00040.
gnomAD v4.1: 166 of 1,614,186 alleles (0.01%); highest among the groups gnomAD compares: South Asian, 0.17%; no homozygotes.

Submissions (3):

Labcorp Genetics (formerly Invitae), Labcorp
Classification: Likely benign for Treacher Collins syndrome 1. Last evaluated: 2025-09-15. Review status: criteria provided, single submitter. Criteria: Invitae Variant Classification Sherloc (09022015). Collection method: clinical testing. Allele origin: germline.

Blueprint Genetics
Classification: Likely benign. Last evaluated: 2024-09-24. Review status: criteria provided, single submitter. Criteria: ACMG Guidelines, 2015. Collection method: clinical testing. Allele origin: germline.

PreventionGenetics, part of Exact Sciences
Classification: Likely benign for TCOF1-related condition. Last evaluated: 2019-06-17. Review status: no assertion criteria provided. Collection method: clinical testing. Allele origin: germline. Not counted in ClinVar's aggregate classification.
Comment: This variant is classified as likely benign based on ACMG/AMP sequence variant interpretation guidelines (Richards et al. 2015 PMID: 25741868, with internal and published modifications).

NM_001371623.1(TCOF1):c.2000G>C (p.Arg667Pro)

Gene: TCOF1 (treacle ribosome biogenesis factor 1; plus strand). Cytogenetic location: 5q32.
Variant type: single nucleotide variant.
Coding change: c.2000G>C on transcript NM_001371623.1 (MANE Select); coding-DNA position 2000, G replaced by C.
Protein change: p.Arg667Pro; replaces arginine 667 with proline.
Molecular consequence: missense variant.
Genome position (GRCh38, 1-based): chr5:150,376,188, G>C. VCF-style: chr5-150376188-G-C. GRCh37 (hg19) VCF-style: chr5-149755751-G-C.
Other names: c.1769G>C, p.Arg590Pro (NM_000356.4, NM_001135245.2); c.2000G>C, p.Arg667Pro (NM_001008657.3, NM_001135243.2, NM_001135244.2 and 1 more transcripts); short protein forms R590P, R667P.
Identifiers: ClinVar variation 703450 (VCV000703450.10), dbSNP rs146735293, ClinGen allele CA3511078.